The following is an entry in ClinVar:

NM_000138.5(FBN1):c.391G>A (p.Asp131Asn)

Gene: FBN1 (fibrillin 1; minus strand). Cytogenetic location: 15q21.1.
Variant type: single nucleotide variant.
Coding change: c.391G>A on transcript NM_000138.5 (MANE Select); coding-DNA position 391, G replaced by A.
Protein change: p.Asp131Asn; replaces aspartic acid 131 with asparagine.
Molecular consequence: missense variant.
Genome position (GRCh38, 1-based): chr15:48,600,190, C>T on the plus strand (G>A on the coding strand, the complement: FBN1 is on the minus strand). VCF-style: chr15-48600190-C-T. GRCh37 (hg19) VCF-style: chr15-48892387-C-T.
Other names: short protein forms D131N.
Identifiers: ClinVar variation 977683 (VCV000977683.2), dbSNP rs2044550847, ClinGen allele CA392446545.

ClinVar aggregate classification (germline): Uncertain significance. Review status: criteria provided, multiple submitters, no conflicts (2 of 4 stars). 2 submissions from 2 submitters: Uncertain significance (2). Last evaluated 2025-06-23.

Conditions:
Familial thoracic aortic aneurysm and aortic dissection (TAAD). Also called: Thoracic aortic aneurysms and dissections. Identifiers: Orphanet 91387, MedGen C4707243, MONDO:0019625.

Allele frequency attached by ClinVar (database versions not stated): gnomAD exomes below 0.00001.
gnomAD v4.1: 1 of 1,613,976 alleles (0.000062%); highest among the groups gnomAD compares: East Asian, 0.0022%; no homozygotes.

Submissions (2):

Color Diagnostics, LLC DBA Color Health
Classification: Uncertain significance for Familial thoracic aortic aneurysm and aortic dissection. Last evaluated: 2025-06-23. Review status: criteria provided, single submitter. Criteria: ACMG Guidelines, 2015. Collection method: clinical testing. Allele origin: germline.
Comment: This missense variant replaces aspartic acid with asparagine at codon 131 of the FBN1 protein. Computational prediction suggests that this variant may not impact protein structure and function. To our knowledge, functional studies have not been reported for this variant. This variant has not been reported in individuals affected with FBN1-related disorders in the literature. This variant has not been identified in the general population by the Genome Aggregation Database (gnomAD). The available evidence is insufficient to determine the role of this variant in disease conclusively. Therefore, this variant is classified as a Variant of Uncertain Significance.

Women's Health and Genetics/Laboratory Corporation of America, LabCorp
Classification: Uncertain significance. Last evaluated: 2020-08-03. Review status: criteria provided, single submitter. Criteria: LabCorp Variant Classification Summary - May 2015. Collection method: clinical testing. Allele origin: germline.
Comment: Variant summary: FBN1 c.391G>A (p.Asp131Asn) results in a conservative amino acid change located in the EGF-like domain (IPR000742) of the encoded protein sequence. Four of five in-silico tools predict a benign effect of the variant on protein function. The variant was absent in 251110 control chromosomes. The available data on variant occurrences in the general population are insufficient to allow any conclusion about variant significance. To our knowledge, no occurrence of c.391G>A in individuals affected with Marfan Syndrome and no experimental evidence demonstrating its impact on protein function have been reported. No clinical diagnostic laboratories have submitted clinical-significance assessments for this variant to ClinVar after 2014. Based on the evidence outlined above, the variant was classified as uncertain significance.